The following is an entry in ClinVar:

ClinVar aggregate classification (germline): Uncertain significance. Review status: criteria provided, single submitter (1 of 4 stars). 2 submissions from 2 submitters: Uncertain significance (1). 1 of the submissions does not count toward it. Last evaluated 2025-09-15.

Allele frequency attached by ClinVar (database versions not stated): ExAC 0.00002; gnomAD 0.00003 and 0.00004; TOPMed 0.00004.
gnomAD v4.1: 63 of 1,613,690 alleles (0.0039%); highest among the groups gnomAD compares: Non-Finnish European, 0.0051%; no homozygotes.

Submissions (2):

Labcorp Genetics (formerly Invitae), Labcorp
Classification: Uncertain significance. Last evaluated: 2025-09-15. Review status: criteria provided, single submitter. Criteria: Invitae Variant Classification Sherloc (09022015). Collection method: clinical testing. Allele origin: germline.
Comment: This sequence change replaces alanine, which is neutral and non-polar, with valine, which is neutral and non-polar, at codon 1022 of the NUP133 protein (p.Ala1022Val). This variant is present in population databases (rs751402996, gnomAD 0.006%). This variant has not been reported in the literature in individuals affected with NUP133-related conditions. ClinVar contains an entry for this variant (Variation ID: 1049290). An algorithm developed to predict the effect of missense changes on protein structure and function (PolyPhen-2) suggests that this variant is likely to be tolerated. In summary, the available evidence is currently insufficient to determine the role of this variant in disease. Therefore, it has been classified as a Variant of Uncertain Significance.

Department of Pathology and Laboratory Medicine, Sinai Health System
Classification: Uncertain significance. Review status: no assertion criteria provided. Collection method: clinical testing. Allele origin: unknown. Affected: yes. Study: The Canadian Open Genetics Repository (COGR). Not counted in ClinVar's aggregate classification.
Comment: The NUP133 p.Ala1022Val variant was not identified in the literature nor was it identified in ClinVar or LOVD 3.0. The variant was identified in dbSNP (ID: rs751402996) and in control databases in 2 of 251052 chromosomes at a frequency of 0.000007966 (Genome Aggregation Database March 6, 2019, v2.1.1). The variant was observed in the European (non-Finnish) population in 2 of 113424 chromosomes (freq: 0.000018), but was not observed in the African, Latino, Ashkenazi Jewish, East Asian, European (Finnish), Other, or South Asian populations. The p.Ala1022 residue is conserved in mammals but not in more distantly related organisms however computational analyses (PolyPhen-2, SIFT, AlignGVGD, BLOSUM, MutationTaster) do not suggest a high likelihood of impact to the protein; this information is not predictive enough to rule out pathogenicity. The variant occurs outside of the splicing consensus sequence and in silico or computational prediction software programs (SpliceSiteFinder, MaxEntScan, NNSPLICE, GeneSplicer) do not predict a difference in splicing. In summary, based on the above information the clinical significance of this variant cannot be determined with certainty at this time. This variant is classified as a variant of uncertain significance.

NM_018230.3(NUP133):c.3065C>T (p.Ala1022Val)

Gene: NUP133 (nucleoporin 133; minus strand). Cytogenetic location: 1q42.13.
Variant type: single nucleotide variant.
Coding change: c.3065C>T on transcript NM_018230.3 (MANE Select); coding-DNA position 3065, C replaced by T.
Protein change: p.Ala1022Val; replaces alanine 1022 with valine.
Molecular consequence: missense variant.
Genome position (GRCh38, 1-based): chr1:229,452,559, G>A on the plus strand (C>T on the coding strand, the complement: NUP133 is on the minus strand). VCF-style: chr1-229452559-G-A. GRCh37 (hg19) VCF-style: chr1-229588306-G-A.
Other names: short protein forms A1022V.
Identifiers: ClinVar variation 1049290 (VCV001049290.2), dbSNP rs751402996, ClinGen allele CA1443130.